The following is an entry in ClinVar:

NM_024675.4(PALB2):c.3296_3297delinsTTAACCCTA (p.Thr1099fs)

Gene: PALB2 (partner and localizer of BRCA2; minus strand). Cytogenetic location: 16p12.2.
Variant type: Indel.
Coding change: c.3296_3297delinsTTAACCCTA on transcript NM_024675.4 (MANE Select); coding-DNA positions 3296 to 3297, CG replaced by TTAACCCTA.
Protein change: p.Thr1099fs; shifts the reading frame from threonine 1099.
Molecular consequence: frameshift variant. On other transcripts: intron variant (8).
Genome position (GRCh38, 1-based): chr16:23,607,917-23,607,918, CG replaced by TAGGGTTAA on the plus strand (CG replaced by TTAACCCTA on the coding strand, the reverse complement: PALB2 is on the minus strand). VCF-style: chr16-23607917-CG-TAGGGTTAA. GRCh37 (hg19) VCF-style: chr16-23619238-CG-TAGGGTTAA.
Other names: c.3236_3237delinsTTAACCCTA, p.Thr1079fs (NM_001407296.1); c.3224_3225delinsTTAACCCTA, p.Thr1075fs (NM_001407297.1); c.3134_3135delinsTTAACCCTA, p.Thr1045fs (NM_001407298.1); c.3017_3018delinsTTAACCCTA, p.Thr1006fs (NM_001407300.1); c.2411_2412delinsTTAACCCTA, p.Thr804fs (NM_001407304.1, NM_001407305.1, NM_001407306.1); c.2249_2250delinsTTAACCCTA, p.Thr750fs (NM_001407307.1); c.1508_1509delinsTTAACCCTA, p.Thr503fs (NM_001407312.1); c.830_831delinsTTAACCCTA, p.Thr277fs (NM_001407314.1); and 6 more; short protein forms T1079fs, T503fs, T1006fs, T1099fs, T277fs, T750fs, T804fs, T1045fs.
Identifiers: ClinVar variation 3413450 (VCV003413450.3).

ClinVar aggregate classification (germline): Likely pathogenic. Review status: criteria provided, multiple submitters, no conflicts (2 of 4 stars). 2 submissions from 2 submitters: Likely pathogenic (2). Last evaluated 2024-08-23.

Conditions:
Breast-ovarian cancer, familial, susceptibility to, 5 (BROVCA5). Identifiers: MedGen C5830615, MONDO:0957530, OMIM 620442.
Hereditary cancer-predisposing syndrome. Also called: Hereditary neoplastic syndrome; Hereditary Cancer Syndrome; Neoplastic Syndromes, Hereditary; Tumor predisposition. Identifiers: Orphanet 140162, MedGen C0027672, MeSH D009386, MONDO:0015356.

Submissions (2):

Ambry Genetics
Classification: Likely pathogenic for Hereditary cancer-predisposing syndrome. Last evaluated: 2024-08-23. Review status: criteria provided, single submitter. Criteria: Ambry Variant Classification Scheme 2023. Collection method: clinical testing. Allele origin: germline.
Comment: The c.3296_3297delCGinsTTAACCCTA variant, located in coding exon 12 of the PALB2 gene, results from the deletion of two nucleotides and insertion of 9 nucleotides causing a translational frameshift with a predicted alternate stop codon (p.T1099Ifs*26). This alteration occurs at the 3' terminus of thePALB2 gene, is not expected to trigger nonsense-mediated mRNA decay, and impacts the last 7.4% of the protein. However, premature stop codons are typically deleterious in nature and a significant portion of the protein is affected and the impacted region is critical for protein function (Ambry internal data). This variant is considered to be rare based on population cohorts in the Genome Aggregation Database (gnomAD). Based on the majority of available evidence to date, this variant is likely to be pathogenic.

Juno Genomics, Hangzhou Juno Genomics, Inc
Classification: Likely pathogenic for Breast-ovarian cancer, familial, susceptibility to, 5. Review status: criteria provided, single submitter. Criteria: ACMG Guidelines, 2015. Collection method: clinical testing. Allele origin: germline.
Comment: Absent from controls (or at extremely low frequency if recessive) in Genome Aggregation Database.;Null variant in a gene where loss of function (LOF) is a known mechanism of disease.